The following is an entry in ClinVar:

NM_000214.3(JAG1):c.2673C>T (p.Ala891=)

Gene: JAG1 (jagged canonical Notch ligand 1; minus strand). Cytogenetic location: 20p12.2.
Variant type: single nucleotide variant.
Coding change: c.2673C>T on transcript NM_000214.3 (MANE Select); coding-DNA position 2673, C replaced by T.
Protein change: p.Ala891=; no amino-acid change (alanine 891 retained).
Molecular consequence: synonymous variant.
Genome position (GRCh38, 1-based): chr20:10,641,792, G>A on the plus strand (C>T on the coding strand, the complement: JAG1 is on the minus strand). VCF-style: chr20-10641792-G-A. GRCh37 (hg19) VCF-style: chr20-10622440-G-A.
Other names: c.2673C>T (NM_000214.2).
Identifiers: ClinVar variation 1595050 (VCV001595050.12), dbSNP rs149889701, ClinGen allele CA9764421.
Genomic context (GRCh38, chr20:10,641,792, plus strand): 5'-TCATCCCTGATTCCAGAACACAGGTGAACTGCGGCAGCCATCATGTCCTACCTTTGAGCA[G>A]GCGATCCGTCCATTCAGGCACTGGCAGGTATTACAGTCATCATCCCATTTGGCCCCATCT-3'
Protein context (NP_000205.1, residues 881-901): NTCQCLNGRI[Ala891=]CSKVWCGPRP

ClinVar aggregate classification (germline): Likely benign. Review status: criteria provided, multiple submitters, no conflicts (2 of 4 stars). 3 submissions from 3 submitters: Likely benign (2). 1 of the submissions does not count toward it. Last evaluated 2024-10-17.

Conditions:
Alagille syndrome due to a JAG1 point mutation. Also called: JAG1-Related Alagille Syndrome; HEPATIC DUCTULAR HYPOPLASIA, SYNDROMATIC; Alagille Syndrome 1. Identifiers: Orphanet 261619, Orphanet 52, MedGen C1956125, MONDO:0016862, OMIM 118450.
JAG1-related disorder. Also called: JAG1-related condition; JAG1-related disorders.
Cardiovascular phenotype. Identifiers: MedGen CN230736.

Allele frequency attached by ClinVar (database versions not stated): gnomAD exomes 0.00001 and 0.00003; ExAC 0.00004; gnomAD 0.00005 and 0.00007; TOPMed 0.00006; 1000 Genomes Project 30x 0.00047; 1000 Genomes Project 0.00060.
gnomAD v4.1: 22 of 1,613,764 alleles (0.0014%); highest among the groups gnomAD compares: African/African-American, 0.027%; no homozygotes.

Submissions (3):

Labcorp Genetics (formerly Invitae), Labcorp
Classification: Likely benign for Alagille syndrome due to a JAG1 point mutation. Last evaluated: 2024-10-17. Review status: criteria provided, single submitter. Criteria: Invitae Variant Classification Sherloc (09022015). Collection method: clinical testing. Allele origin: germline.

Ambry Genetics
Classification: Likely benign for Cardiovascular phenotype. Last evaluated: 2023-08-07. Review status: criteria provided, single submitter. Criteria: Ambry Variant Classification Scheme 2023. Collection method: clinical testing. Allele origin: germline.

PreventionGenetics, part of Exact Sciences
Classification: Likely benign for JAG1-related condition. Last evaluated: 2022-10-26. Review status: no assertion criteria provided. Collection method: clinical testing. Allele origin: germline. Not counted in ClinVar's aggregate classification.
Comment: This variant is classified as likely benign based on ACMG/AMP sequence variant interpretation guidelines (Richards et al. 2015 PMID: 25741868, with internal and published modifications).